The following is an entry in ClinVar:

ClinVar aggregate classification (germline): Uncertain significance. Review status: criteria provided, multiple submitters, no conflicts (2 of 4 stars). 2 submissions from 2 submitters: Uncertain significance (2). Last evaluated 2023-06-26.

Conditions:
Malignant hyperthermia, susceptibility to, 5 (MHS5). Also called: CACNA1S-Related Malignant Hyperthermia Susceptibility. Identifiers: Orphanet 423, MedGen C1866077, MONDO:0011163, OMIM 601887.
Hypokalemic periodic paralysis, type 1. Also called: Hypokalemic Periodic Paralysis Type 1 (AD); HypoPP. Identifiers: Orphanet 681, MedGen C3714580, MONDO:0042979, OMIM 170400.

Submissions (2):

All of Us Research Program, National Institutes of Health
Classification: Uncertain significance for Malignant hyperthermia, susceptibility to, 5. Last evaluated: 2023-06-26. Review status: criteria provided, single submitter. Criteria: ACMG Guidelines, 2015. Collection method: clinical testing. Allele origin: germline. Inheritance: Autosomal dominant inheritance. Observed: 1 variant allele, 1 heterozygote.
Comment: This variant is located in the CACNA1S protein. To our knowledge, functional studies have not been reported for this variant. This variant has not been reported in individuals affected with CACNA1S-related disorders in the literature. This variant has not been identified in the general population by the Genome Aggregation Database (gnomAD). The available evidence is insufficient to determine the role of this variant in disease conclusively. Therefore, this variant is classified as a Variant of Uncertain Significance.

This study involves interpretation of variants in research participants for the purpose of population health screening. Participant phenotype was not available at the time of variant classification. Additional details can be found in publication PMID: 35346344, PMCID: PMC8962531

Illumina Laboratory Services, Illumina
Classification: Uncertain significance for Hypokalemic periodic paralysis, type 1. Last evaluated: 2018-01-13. Review status: criteria provided, single submitter. Criteria: ICSL Variant Classification Criteria 13 December 2019. Collection method: clinical testing. Allele origin: germline.

NM_000069.3(CACNA1S):c.1725C>T (p.Leu575=)

Gene: CACNA1S (calcium voltage-gated channel subunit alpha1 S; minus strand). Cytogenetic location: 1q32.1.
Variant type: single nucleotide variant.
Coding change: c.1725C>T on transcript NM_000069.3 (MANE Select); coding-DNA position 1725, C replaced by T.
Protein change: p.Leu575=; no amino-acid change (leucine 575 retained).
Molecular consequence: synonymous variant.
Genome position (GRCh38, 1-based): chr1:201,077,022, G>A on the plus strand (C>T on the coding strand, the complement: CACNA1S is on the minus strand). VCF-style: chr1-201077022-G-A. GRCh37 (hg19) VCF-style: chr1-201046150-G-A.
Identifiers: ClinVar variation 294759 (VCV000294759.6), dbSNP rs886045800, ClinGen allele CA10608752.